The following is an entry in ClinVar:

NM_004667.6(HERC2):c.3828G>A (p.Ala1276=)

Gene: HERC2 (HECT and RLD domain containing E3 ubiquitin protein ligase 2; minus strand). Cytogenetic location: 15q13.1.
Variant type: single nucleotide variant.
Coding change: c.3828G>A on transcript NM_004667.6 (MANE Select); coding-DNA position 3828, G replaced by A.
Protein change: p.Ala1276=; no amino-acid change (alanine 1276 retained).
Molecular consequence: synonymous variant.
Genome position (GRCh38, 1-based): chr15:28,238,138, C>T on the plus strand (G>A on the coding strand, the complement: HERC2 is on the minus strand). VCF-style: chr15-28238138-C-T. GRCh37 (hg19) VCF-style: chr15-28483284-C-T.
Identifiers: ClinVar variation 721853 (VCV000721853.28), dbSNP rs2525976, ClinGen allele CA7442810.

ClinVar aggregate classification (germline): Likely benign. Review status: criteria provided, multiple submitters, no conflicts (2 of 4 stars). 3 submissions from 3 submitters: Likely benign (3). Last evaluated 2025-03-01.

Allele frequency attached by ClinVar (database versions not stated): gnomAD 0.00081 and 0.00075; gnomAD exomes 0.00012 and 0.00027; 1000 Genomes Project 0.00020; 1000 Genomes Project 30x 0.00031; ExAC 0.00037; TOPMed 0.00071.
gnomAD v4.1: 296 of 1,611,612 alleles (0.018%); highest among the groups gnomAD compares: Middle Eastern, 0.48%; 3 homozygotes.

Submissions (3):

CeGaT Center for Human Genetics Tuebingen
Classification: Likely benign. Last evaluated: 2025-03-01. Review status: criteria provided, single submitter. Criteria: CeGaT Center For Human Genetics Tuebingen Variant Classification Criteria Version 2. Collection method: clinical testing. Allele origin: germline. Affected: yes. Observed: 5 variant alleles.
Comment: HERC2: BP4, BP7

Labcorp Genetics (formerly Invitae), Labcorp
Classification: Likely benign. Last evaluated: 2019-12-31. Review status: criteria provided, single submitter. Criteria: Invitae Variant Classification Sherloc (09022015). Collection method: clinical testing. Allele origin: germline.

Breakthrough Genomics
Classification: Likely benign. Review status: criteria provided, single submitter. Criteria: ACMG Guidelines, 2015. Collection method: not provided. Allele origin: germline. Inheritance: Autosomal recessive inheritance. Affected: yes.